The following is an entry in ClinVar:

ClinVar aggregate classification (germline): Uncertain significance (1 of 4 stars; one submission).

Allele frequency attached by ClinVar (database versions not stated): gnomAD exomes below 0.00001.
gnomAD v4.1: 1 of 1,610,862 alleles (0.000062%); highest among the groups gnomAD compares: Non-Finnish European, 0.000085%; no homozygotes.

Submission:

Labcorp Genetics (formerly Invitae), Labcorp
Classification: Uncertain significance. Last evaluated: 2023-11-07. Review status: criteria provided, single submitter. Criteria: Invitae Variant Classification Sherloc (09022015). Collection method: clinical testing. Allele origin: germline.
Comment: The OPA1 gene has multiple clinically relevant transcripts. This variant occurs in alternate transcript NM_130837.2, and corresponds to NM_015560.2:c.556+500T>G in the primary transcript. This sequence change affects codon 186 of the OPA1 mRNA. It is a 'silent' change, meaning that it does not change the encoded amino acid sequence of the OPA1 protein. This variant is not present in population databases (gnomAD no frequency). This variant has not been reported in the literature in individuals affected with OPA1-related conditions. Experimental studies and prediction algorithms are not available or were not evaluated, and the functional significance of this variant is currently unknown. In summary, the available evidence is currently insufficient to determine the role of this variant in disease. Therefore, it has been classified as a Variant of Uncertain Significance.

NM_130837.3(OPA1):c.558T>G (p.Gly186=)

Gene: OPA1 (OPA1 mitochondrial dynamin like GTPase; plus strand). Cytogenetic location: 3q29.
Variant type: single nucleotide variant.
Coding change: c.558T>G on transcript NM_130837.3 (MANE Select); coding-DNA position 558, T replaced by G.
Protein change: p.Gly186=; no amino-acid change (glycine 186 retained).
Molecular consequence: synonymous variant. On other transcripts: intron variant (6).
Genome position (GRCh38, 1-based): chr3:193,617,785, T>G. VCF-style: chr3-193617785-T-G. GRCh37 (hg19) VCF-style: chr3-193335574-T-G.
Other names: c.184+500T>G (NM_001354664.2); c.77-1084T>G (NM_001354663.2); c.556+500T>G (NM_130836.3, NM_015560.3); c.449-1084T>G (NM_130833.3, NM_130831.3); c.450T>G, p.Gly150= (NM_130832.3, NM_130835.3); c.558T>G, p.Gly186= (NM_130834.3).
Identifiers: ClinVar variation 2801569 (VCV002801569.3), dbSNP rs1729297451, ClinGen allele CA2577994797.
Genomic context (GRCh38, chr3:193,617,785, plus strand): 5'-GTTTGCTCATTTCTGTTAAATTTTACATTTCTATTTCCCCTTTTGCTGATTTTTCACAGG[T>G]CACAAATTGGTTAGTGAAGTCATAGGAGCTTCTGACCTACTTCTCTTGTTAGGTGTGTAA-3'
Protein context (NP_570850.2, residues 176-196): LSLLKDFFTS[Gly186=]HKLVSEVIGA